The following is an entry in ClinVar:

NM_000110.4(DPYD):c.3067C>A (p.Pro1023Thr)

Gene: DPYD (dihydropyrimidine dehydrogenase; minus strand). Cytogenetic location: 1p21.3.
Variant type: single nucleotide variant.
Coding change: c.3067C>A on transcript NM_000110.4 (MANE Select); coding-DNA position 3067, C replaced by A.
Protein change: p.Pro1023Thr; replaces proline 1023 with threonine.
Molecular consequence: missense variant.
Genome position (GRCh38, 1-based): chr1:97,078,987, G>T on the plus strand (C>A on the coding strand, the complement: DPYD is on the minus strand). VCF-style: chr1-97078987-G-T. GRCh37 (hg19) VCF-style: chr1-97544543-G-T.
Other names: short protein forms P1023T.
Identifiers: ClinVar variation 100069 (VCV000100069.10), dbSNP rs114096998, ClinGen allele CA228071.

ClinVar aggregate classification (germline): Conflicting classifications of pathogenicity. Review status: criteria provided, conflicting classifications (1 of 4 stars). 5 submissions from 5 submitters: Uncertain significance (1); Benign (2); Likely benign (1). 1 of the submissions does not count toward it. Last evaluated 2021-12-10.

Conditions:
Dihydropyrimidine dehydrogenase deficiency (DPYDD). Also called: DPD DEFICIENCY; DPYD DEFICIENCY; Hereditary Thymine-Uraciluria. Identifiers: Orphanet 1675, MedGen C1959620, MONDO:0010130, OMIM 274270.

Allele frequency attached by ClinVar (database versions not stated): ESP Exome Variant Server 0.01284; 1000 Genomes Project 0.00978; 1000 Genomes Project 30x 0.01031; TOPMed 0.01128.
gnomAD v4.1: 3,179 of 1,613,548 alleles (0.2%); highest among the groups gnomAD compares: African/African-American, 3.9%; 53 homozygotes.

Submissions (5):

Women's Health and Genetics/Laboratory Corporation of America, LabCorp
Classification: Likely benign. Last evaluated: 2021-12-10. Review status: criteria provided, single submitter. Criteria: LabCorp Variant Classification Summary - May 2015. Collection method: clinical testing. Allele origin: germline.

Labcorp Genetics (formerly Invitae), Labcorp
Classification: Benign. Last evaluated: 2019-12-31. Review status: criteria provided, single submitter. Criteria: Invitae Variant Classification Sherloc (09022015). Collection method: clinical testing. Allele origin: germline.

Athena Diagnostics
Classification: Benign. Last evaluated: 2018-09-18. Review status: criteria provided, single submitter. Criteria: Athena Diagnostics Criteria. Collection method: clinical testing. Allele origin: germline.

Illumina Laboratory Services, Illumina
Classification: Uncertain significance for Dihydropyrimidine dehydrogenase deficiency. Last evaluated: 2017-04-27. Review status: criteria provided, single submitter. Criteria: ICSL Variant Classification Criteria 13 December 2019. Collection method: clinical testing. Allele origin: germline.
Comment: This variant was observed as part of a predisposition screen in an ostensibly healthy population. A literature search was performed for the gene, cDNA change, and amino acid change (where applicable). Publications were found based on this search. However, the evidence from the literature, in combination with allele frequency data from public databases where available, was not sufficient to rule this variant in or out of causing disease. Therefore, this variant is classified as a variant of unknown significance.

Diasio Lab,  Mayo Clinic
No classification provided. Review status: no classification provided. Collection method: not provided. Allele origin: unknown. Not counted in ClinVar's aggregate classification.

Literature cited by the submitters: PubMed 24648345 (cited by Athena Diagnostics and Illumina Laboratory Services, Illumina); PubMed 21114665 (cited by Athena Diagnostics); PubMed 27727460 (cited by Athena Diagnostics); PubMed 23588312 (cited by Athena Diagnostics); PubMed 29152729 (cited by Athena Diagnostics); PubMed 17000684 (cited by Illumina Laboratory Services, Illumina).